The following is an entry in ClinVar:

NM_002472.3(MYH8):c.4789G>A (p.Val1597Met)

Genes: MYH8 (myosin heavy chain 8; minus strand), MYHAS (myosin heavy chain gene cluster antisense RNA; plus strand). Cytogenetic location: 17p13.1.
Variant type: single nucleotide variant.
Coding change: c.4789G>A on transcript NM_002472.3 (MANE Select); coding-DNA position 4789, G replaced by A.
Protein change: p.Val1597Met; replaces valine 1597 with methionine.
Molecular consequence: missense variant.
Genome position (GRCh38, 1-based): chr17:10,395,306, C>T on the plus strand (G>A on the coding strand, the complement: MYH8 is on the minus strand). VCF-style: chr17-10395306-C-T. GRCh37 (hg19) VCF-style: chr17-10298623-C-T.
Other names: short protein forms V1597M.
Identifiers: ClinVar variation 3898169 (VCV003898169.7).

ClinVar aggregate classification (germline): Likely benign (1 of 4 stars; one submission).

gnomAD v4.1: 56 of 1,614,064 alleles (0.0035%); highest among the groups gnomAD compares: Admixed American, 0.018%; no homozygotes.

Submission:

CeGaT Center for Human Genetics Tuebingen
Classification: Likely benign. Last evaluated: 2025-04-01. Review status: criteria provided, single submitter. Criteria: CeGaT Center For Human Genetics Tuebingen Variant Classification Criteria Version 2. Collection method: clinical testing. Allele origin: germline. Affected: yes. Observed: 1 variant allele.
Comment: MYH8: BP4